The following is an entry in ClinVar:

NM_130466.4(UBE3B):c.2887G>A (p.Asp963Asn)

Gene: UBE3B (ubiquitin protein ligase E3B; plus strand). Cytogenetic location: 12q24.11.
Variant type: single nucleotide variant.
Coding change: c.2887G>A on transcript NM_130466.4 (MANE Select); coding-DNA position 2887, G replaced by A.
Protein change: p.Asp963Asn; replaces aspartic acid 963 with asparagine.
Molecular consequence: missense variant.
Genome position (GRCh38, 1-based): chr12:109,530,623, G>A. VCF-style: chr12-109530623-G-A. GRCh37 (hg19) VCF-style: chr12-109968428-G-A.
Other names: c.2887G>A, p.Asp963Asn (NM_183415.3); short protein forms D963N.
Identifiers: ClinVar variation 1302933 (VCV001302933.3), dbSNP rs61748816, ClinGen allele CA6778349.

ClinVar aggregate classification (germline): Uncertain significance. Review status: criteria provided, multiple submitters, no conflicts (2 of 4 stars). 2 submissions from 2 submitters: Uncertain significance (2). Last evaluated 2022-08-10.

Allele frequency attached by ClinVar (database versions not stated): ExAC 0.00013; gnomAD exomes 0.00015; 1000 Genomes Project 30x 0.00016; 1000 Genomes Project 0.00020; ESP Exome Variant Server 0.00031; gnomAD 0.00033 and 0.00035; TOPMed 0.00040.
gnomAD v4.1: 128 of 1,614,146 alleles (0.0079%); highest among the groups gnomAD compares: African/African-American, 0.095%; 1 homozygote.

Submissions (2):

Labcorp Genetics (formerly Invitae), Labcorp
Classification: Uncertain significance. Last evaluated: 2022-08-10. Review status: criteria provided, single submitter. Criteria: Invitae Variant Classification Sherloc (09022015). Collection method: clinical testing. Allele origin: germline.
Comment: This sequence change replaces aspartic acid, which is acidic and polar, with asparagine, which is neutral and polar, at codon 963 of the UBE3B protein (p.Asp963Asn). This variant is present in population databases (rs61748816, gnomAD 0.07%), including at least one homozygous and/or hemizygous individual. This variant has not been reported in the literature in individuals affected with UBE3B-related conditions. ClinVar contains an entry for this variant (Variation ID: 1302933). Algorithms developed to predict the effect of missense changes on protein structure and function are either unavailable or do not agree on the potential impact of this missense change (SIFT: "Deleterious"; PolyPhen-2: "Probably Damaging"; Align-GVGD: "Class C0"). In summary, the available evidence is currently insufficient to determine the role of this variant in disease. Therefore, it has been classified as a Variant of Uncertain Significance.

GeneDx
Classification: Uncertain significance. Last evaluated: 2020-02-25. Review status: criteria provided, single submitter. Criteria: GeneDx Variant Classification Process June 2021. Collection method: clinical testing. Allele origin: germline. Affected: yes.
Comment: In silico analysis supports that this missense variant has a deleterious effect on protein structure/function; This variant is associated with the following publications: (PMID: 30808755)